The following is an entry in ClinVar:

ClinVar aggregate classification (germline): Uncertain significance (1 of 4 stars; one submission).

Conditions:
MHC class II deficiency. Also called: Bare lymphocyte syndrome 2; BLS, TYPE II. Identifiers: Orphanet 572, MedGen C5447452, MONDO:0008855.

Allele frequency attached by ClinVar (database versions not stated): gnomAD exomes 0.00001; TOPMed 0.00003; gnomAD 0.00005; ExAC 0.00007.
gnomAD v4.1: 31 of 1,614,008 alleles (0.0019%); highest among the groups gnomAD compares: East Asian, 0.02%; no homozygotes.

Submission:

Labcorp Genetics (formerly Invitae), Labcorp
Classification: Uncertain significance for MHC class II deficiency. Last evaluated: 2022-05-04. Review status: criteria provided, single submitter. Criteria: Invitae Variant Classification Sherloc (09022015). Collection method: clinical testing. Allele origin: germline.
Comment: This sequence change replaces arginine, which is basic and polar, with glutamine, which is neutral and polar, at codon 410 of the RFX5 protein (p.Arg410Gln). This variant is present in population databases (rs774918872, gnomAD 0.03%). This variant has not been reported in the literature in individuals affected with RFX5-related conditions. Algorithms developed to predict the effect of missense changes on protein structure and function output the following: SIFT: "Tolerated"; PolyPhen-2: "Benign"; Align-GVGD: "Class C0". The glutamine amino acid residue is found in multiple mammalian species, which suggests that this missense change does not adversely affect protein function. In summary, the available evidence is currently insufficient to determine the role of this variant in disease. Therefore, it has been classified as a Variant of Uncertain Significance.

NM_001025603.2(RFX5):c.1229G>A (p.Arg410Gln)

Gene: RFX5 (regulatory factor X5; minus strand). Cytogenetic location: 1q21.3.
Variant type: single nucleotide variant.
Coding change: c.1229G>A on transcript NM_001025603.2 (MANE Select); coding-DNA position 1229, G replaced by A.
Protein change: p.Arg410Gln; replaces arginine 410 with glutamine.
Molecular consequence: missense variant.
Genome position (GRCh38, 1-based): chr1:151,342,808, C>T on the plus strand (G>A on the coding strand, the complement: RFX5 is on the minus strand). VCF-style: chr1-151342808-C-T. GRCh37 (hg19) VCF-style: chr1-151315284-C-T.
Other names: c.1229G>A, p.Arg410Gln (NM_000449.4, NM_001379412.1, NM_001379413.1 and 5 more transcripts); c.1109G>A, p.Arg370Gln (NM_001379419.1, NM_001379420.1); short protein forms R410Q, R370Q.
Identifiers: ClinVar variation 2201645 (VCV002201645.1), dbSNP rs774918872, ClinGen allele CA1089638.